The following is an entry in ClinVar:

ClinVar aggregate classification (germline): Likely benign (1 of 4 stars; one submission).

Allele frequency attached by ClinVar (database versions not stated): gnomAD 0.00629 and 0.00663; TOPMed 0.00695; 1000 Genomes Project 0.00879; 1000 Genomes Project 30x 0.00921.
gnomAD v4.1: 946 of 152,290 alleles (0.62%); highest among the groups gnomAD compares: African/African-American, 2.1%; 10 homozygotes.

Submission:

GeneDx
Classification: Likely benign. Last evaluated: 2018-06-16. Review status: criteria provided, single submitter. Criteria: GeneDx Variant Classification (06012015). Collection method: clinical testing. Allele origin: germline. Affected: yes.
Comment: This variant is considered likely benign or benign based on one or more of the following criteria: it is a conservative change, it occurs at a poorly conserved position in the protein, it is predicted to be benign by multiple in silico algorithms, and/or has population frequency not consistent with disease.

NM_033360.4(KRAS):c.291-311A>G

Gene: KRAS (KRAS proto-oncogene, GTPase; minus strand). Cytogenetic location: 12p12.1.
Variant type: single nucleotide variant.
Coding change: c.291-311A>G on transcript NM_033360.4 (MANE Plus Clinical); 311 bases into the intron before coding-DNA position 291, A replaced by G.
Molecular consequence: intron variant.
Genome position (GRCh38, 1-based): chr12:25,226,084, T>C on the plus strand (A>G on the coding strand, the complement: KRAS is on the minus strand). VCF-style: chr12-25226084-T-C. GRCh37 (hg19) VCF-style: chr12-25379018-T-C.
Other names: c.291-311A>G (LRG_344t2, LRG_344t1, NM_001369787.1 and 2 more transcripts).
Identifiers: ClinVar variation 561928 (VCV000561928.1), dbSNP rs138809689, ClinGen allele CA234219940.